The following is an entry in ClinVar:

NM_003468.4(FZD5):c.820del (p.Leu274fs)

Gene: FZD5 (frizzled class receptor 5; minus strand). Cytogenetic location: 2q33.3.
Variant type: Deletion.
Coding change: c.820del on transcript NM_003468.4 (MANE Select); coding-DNA position 820, one base deleted (C; older notation c.820delC).
Protein change: p.Leu274fs; shifts the reading frame from leucine 274.
Molecular consequence: frameshift variant.
Genome position (GRCh38, 1-based): chr2:207,767,920, G deleted on the plus strand (C on the coding strand, the reverse complement: FZD5 is on the minus strand); the first of 2 consecutive G bases (chr2:207,767,920-207,767,921); deleting either gives the same sequence. VCF-style (leftmost placement, unchanged base first): chr2-207767919-AG-A. GRCh37 (hg19) VCF-style: chr2-208632643-AG-A.
Other names: c.820delC (NM_003468.4); short protein forms L274fs.
Identifiers: ClinVar variation 694329 (VCV000694329.3), dbSNP rs2091988799, ClinGen allele CA916082279.

ClinVar aggregate classification (germline): Conflicting classifications of pathogenicity. Review status: criteria provided, conflicting classifications (1 of 4 stars). 2 submissions from 2 submitters: Pathogenic (1); Uncertain significance (1). Last evaluated 2025-10-08.

Conditions:
Congenital ocular coloboma. Also called: Coloboma; COLOBOMA OF IRIS, CHOROID, AND RETINA; COLOBOMA, UVEORETINAL; Coloboma of eye. Identifiers: Orphanet 194, MedGen C0009363, MONDO:0001476, HP:0000589.

Submissions (2):

Labcorp Genetics (formerly Invitae), Labcorp
Classification: Uncertain significance. Last evaluated: 2025-10-08. Review status: criteria provided, single submitter. Criteria: Invitae Variant Classification Sherloc (09022015). Collection method: clinical testing. Allele origin: germline.
Comment: This sequence change creates a premature translational stop signal (p.Leu274Cysfs*73) in the FZD5 gene. While this is not anticipated to result in nonsense mediated decay, it is expected to disrupt the last 312 amino acid(s) of the FZD5 protein. This variant is not present in population databases (gnomAD no frequency). This premature translational stop signal has been observed in individual(s) with ocular coloboma (PMID: 32737437; internal data). This premature translational stop signal has been observed in at least one individual who was not affected with FZD5-related conditions (internal data). ClinVar contains an entry for this variant (Variation ID: 694329). In summary, the available evidence is currently insufficient to determine the role of this variant in disease. Therefore, it has been classified as a Variant of Uncertain Significance.

Genetics Department, University Hospital of Toulouse
Classification: Pathogenic for Congenital ocular coloboma. Last evaluated: 2019-10-18. Review status: criteria provided, single submitter. Criteria: ACMG Guidelines, 2015. Collection method: clinical testing. Allele origin: germline. Affected: yes. Observed: 1 variant allele.
Comment: This sequence change creates a premature translational stop signal (p.Leu274Cysfs*73) in the FZD5 gene. This variant is not present in population databases (ExAC no frequency). This variant has not been reported in the literature in individuals with FZD5-related disease.

Literature cited by the submitters: PubMed 32737437 (cited by Labcorp Genetics (formerly Invitae), Labcorp); PubMed 26908622 (cited by Genetics Department, University Hospital of Toulouse).